The following is an entry in ClinVar:

NM_006158.5(NEFL):c.1462G>A (p.Glu488Lys)

Gene: NEFL (neurofilament light chain; minus strand). Cytogenetic location: 8p21.2.
Variant type: single nucleotide variant.
Coding change: c.1462G>A on transcript NM_006158.5 (MANE Select); coding-DNA position 1462, G replaced by A.
Protein change: p.Glu488Lys; replaces glutamic acid 488 with lysine.
Molecular consequence: missense variant.
Genome position (GRCh38, 1-based): chr8:24,953,503, C>T on the plus strand (G>A on the coding strand, the complement: NEFL is on the minus strand). VCF-style: chr8-24953503-C-T. GRCh37 (hg19) VCF-style: chr8-24811016-C-T.
Other names: short protein forms E488K.
Identifiers: ClinVar variation 533511 (VCV000533511.11), dbSNP rs773570365, ClinGen allele CA4681270.

ClinVar aggregate classification (germline): Uncertain significance. Review status: criteria provided, multiple submitters, no conflicts (2 of 4 stars). 4 submissions from 4 submitters: Uncertain significance (3). 1 of the submissions does not count toward it. Last evaluated 2023-11-10.

Conditions:
Inborn genetic diseases. Identifiers: MedGen C0950123, MeSH D030342.
Charcot-Marie-Tooth disease, dominant intermediate G. Identifiers: MedGen C4693509, MONDO:0036484, OMIM 617882.
Charcot-Marie-Tooth disease type 2E (CMT2E). Also called: CHARCOT-MARIE-TOOTH DISEASE, AXONAL, TYPE 2E; CHARCOT-MARIE-TOOTH NEUROPATHY, TYPE 2E. Identifiers: Orphanet 99939, MedGen C1843225, MONDO:0011894, OMIM 607684.
Charcot-Marie-Tooth disease type 1F. Also called: CHARCOT-MARIE-TOOTH NEUROPATHY, TYPE 1F; Charcot-Marie-Tooth disease, demyelinating, type 1f. Identifiers: Orphanet 101085, MedGen C1843164, MONDO:0011902, OMIM 607734.
Charcot-Marie-Tooth disease. Also called: Charcot-Marie-Tooth Neuropathy; Charcot-Marie-Tooth Hereditary Neuropathy. Identifiers: Orphanet 166, MedGen C0007959, MONDO:0015626.

Allele frequency attached by ClinVar (database versions not stated): gnomAD exomes 0.00001; ExAC 0.00002.

Submissions (4):

Labcorp Genetics (formerly Invitae), Labcorp
Classification: Uncertain significance for Charcot-Marie-Tooth disease type 2E. Last evaluated: 2023-11-10. Review status: criteria provided, single submitter. Criteria: Invitae Variant Classification Sherloc (09022015). Collection method: clinical testing. Allele origin: germline.
Comment: This sequence change replaces glutamic acid, which is acidic and polar, with lysine, which is basic and polar, at codon 488 of the NEFL protein (p.Glu488Lys). This variant is present in population databases (rs773570365, gnomAD 0.003%). This variant has not been reported in the literature in individuals affected with NEFL-related conditions. ClinVar contains an entry for this variant (Variation ID: 533511). Advanced modeling of protein sequence and biophysical properties (such as structural, functional, and spatial information, amino acid conservation, physicochemical variation, residue mobility, and thermodynamic stability) has been performed at Invitae for this missense variant, however the output from this modeling did not meet the statistical confidence thresholds required to predict the impact of this variant on NEFL protein function. In summary, the available evidence is currently insufficient to determine the role of this variant in disease. Therefore, it has been classified as a Variant of Uncertain Significance.

Department of Pathology and Laboratory Medicine, Sinai Health System
Classification: Uncertain significance for Charcot-Marie-Tooth disease type 2E; Charcot-Marie-Tooth disease type 1F; Charcot-Marie-Tooth disease, dominant intermediate G. Last evaluated: 2022-06-29. Review status: criteria provided, single submitter. Criteria: ACMG Guidelines, 2015. Collection method: research. Allele origin: germline.

Ambry Genetics
Classification: Uncertain significance for Inborn genetic diseases. Last evaluated: 2022-03-11. Review status: criteria provided, single submitter. Criteria: Ambry Variant Classification Scheme 2023. Collection method: clinical testing. Allele origin: germline.
Comment: The p.E488K variant (also known as c.1462G>A), located in coding exon 3 of the NEFL gene, results from a G to A substitution at nucleotide position 1462. The glutamic acid at codon 488 is replaced by lysine, an amino acid with similar properties. This amino acid position is well conserved in available vertebrate species. In addition, the in silico prediction for this alteration is inconclusive. Since supporting evidence is limited at this time, the clinical significance of this alteration remains unclear. Since supporting evidence is limited at this time, the clinical significance of this alteration remains unclear.

Genesis Genome Database
Classification: Uncertain significance for Charcot-Marie-Tooth disease. Last evaluated: 2019-08-14. Review status: no assertion criteria provided. Collection method: research. Allele origin: germline. Affected: yes. Not counted in ClinVar's aggregate classification.